The following is an entry in ClinVar:

NM_001378414.1(HDAC4):c.2378G>A (p.Gly793Glu)

Gene: HDAC4 (histone deacetylase 4; minus strand). Cytogenetic location: 2q37.3.
Variant type: single nucleotide variant.
Coding change: c.2378G>A on transcript NM_001378414.1 (MANE Select); coding-DNA position 2378, G replaced by A.
Protein change: p.Gly793Glu; replaces glycine 793 with glutamic acid.
Molecular consequence: missense variant.
Genome position (GRCh38, 1-based): chr2:239,090,019, C>T on the plus strand (G>A on the coding strand, the complement: HDAC4 is on the minus strand). VCF-style: chr2-239090019-C-T. GRCh37 (hg19) VCF-style: chr2-240011715-C-T.
Other names: NM_006037.4:c.2363G>A; c.2378G>A, p.Gly793Glu (NM_001378415.1); c.2363G>A, p.Gly788Glu (NM_001378416.1, NM_001378417.1, NM_006037.4); short protein forms G788E, G793E.
Identifiers: ClinVar variation 3350154 (VCV003350154.2).

ClinVar aggregate classification (germline): Uncertain significance. Review status: criteria provided, multiple submitters, no conflicts (2 of 4 stars). 3 submissions from 3 submitters: Uncertain significance (2). 1 of the submissions does not count toward it. Last evaluated 2026-08-12.

Conditions:
Neurodevelopmental disorder with central hypotonia and dysmorphic facies (NEDCHF). Identifiers: MedGen C5676944, MONDO:0859232, OMIM 619797.
HDAC4-related disorder. Also called: HDAC4-related condition.

gnomAD v4.1: 1 of 1,613,232 alleles (0.000062%); highest among the groups gnomAD compares: Non-Finnish European, 0.000085%; no homozygotes.

Submissions (3):

Broad Center for Mendelian Genomics, Broad Institute of MIT and Harvard
Classification: Uncertain significance for Neurodevelopmental disorder with central hypotonia and dysmorphic facies. Last evaluated: 2026-08-12. Review status: criteria provided, single submitter. Criteria: ACMG Guidelines, 2015. Collection method: research. Allele origin: germline. Inheritance: Autosomal dominant inheritance. Study: GREGoR Consortium.
Comment: Trio genome analysis showed this variant to be de novo. The p.Gly793Glu variant in HDAC4 has not been previously reported in the literature in individuals with neurodevelopmental disorder, and has been identified in 0.00009% (1/1179372) of European (non-Finnish) chromosomes by the Genome Aggregation Database (gnomAD. This variant has also been reported in ClinVar (Variation ID: 3350154) and has been interpreted as a variant of uncertain significance by PreventionGenetics. Computational prediction tools and conservation analyses suggest that this variant may impact the protein, though this information is not predictive enough to determine pathogenicity. The number of missense variants reported in HDAC4 in the general population is lower than expected, suggesting there is little benign variation in this gene and slightly increasing the possibility that a missense variant in this gene may not be tolerated. In summary, the clinical significance of the p.Gly793Glu variant is uncertain. ACMG/AMP Criteria applied: PP3, PP2, PS2_supporting (Richards 2015).

Blueprint Genetics
Classification: Uncertain significance. Last evaluated: 2021-09-23. Review status: criteria provided, single submitter. Criteria: ACMG Guidelines, 2015. Collection method: clinical testing. Allele origin: germline.

PreventionGenetics, part of Exact Sciences
Classification: Uncertain significance for HDAC4-related condition. Last evaluated: 2024-09-05. Review status: no assertion criteria provided. Collection method: clinical testing. Allele origin: germline. Not counted in ClinVar's aggregate classification.
Comment: The HDAC4 c.2363G>A variant is predicted to result in the amino acid substitution p.Gly788Glu. This variant has been reported in an individual with autism spectrum disorder (Fu et al. 2022. PubMed ID: 35982160; Zhou et al. 2022. PubMed ID: 35982159). This variant has not been reported in a large population database, indicating this variant is rare. Although large deletions including HDAC4 have been reported (chromosome 2q37 deletion syndrome, OMIM #600430; Williams et al. 2010. PubMed ID: 20691407), evidence for the role of missense variants in disease remains limited. While de novo missense variants have been reported in individuals with neurodevelopmental disorder with central hypotonia and dysmorphic facies, all the reported variants occurred in the 14-3-3 binding site between p.242 and p.248 (Wakeling et al. 2021. PubMed ID: 33537682). Although we suspect that this variant may be pathogenic, at this time, the clinical significance of this variant is uncertain due to the absence of conclusive functional and genetic evidence.